The following is an entry in ClinVar:

ClinVar aggregate classification (germline): Uncertain significance (0 of 4 stars; one submission).

Conditions:
HTR2C-related disorder. Also called: HTR2C-related condition.

gnomAD v4.1: 16 of 1,210,520 alleles (0.0013%); highest among the groups gnomAD compares: Non-Finnish European, 0.0015%; no homozygotes.

Submission:

PreventionGenetics, part of Exact Sciences
Classification: Uncertain significance for HTR2C-related condition. Last evaluated: 2024-05-15. Review status: no assertion criteria provided. Collection method: clinical testing. Allele origin: germline.
Comment: The HTR2C c.883C>G variant is predicted to result in the amino acid substitution p.Arg295Gly. To our knowledge, this variant has not been reported in the literature. This variant is reported in 0.0086% of alleles in individuals of European (Non-Finnish) descent in gnomAD. At this time, the clinical significance of this variant is uncertain due to the absence of conclusive functional and genetic evidence.

NM_000868.4(HTR2C):c.883C>G (p.Arg295Gly)

Genes: HTR2C (5-hydroxytryptamine receptor 2C; plus strand), LOC126863306 (MED14-independent group 3 enhancer GRCh37_chrX:114140926-114142125; plus strand). Cytogenetic location: Xq23.
Variant type: single nucleotide variant.
Coding change: c.883C>G on transcript NM_000868.4 (MANE Select); coding-DNA position 883, C replaced by G.
Protein change: p.Arg295Gly; replaces arginine 295 with glycine.
Molecular consequence: missense variant. On other transcripts: 3 prime UTR variant (1).
Genome position (GRCh38, 1-based): chrX:114,906,921, C>G. VCF-style: chrX-114906921-C-G. GRCh37 (hg19) VCF-style: chrX-114141484-C-G.
Other names: c.883C>G, p.Arg295Gly (NM_001256760.3); c.*41C>G (NM_001256761.3); short protein forms R295G.
Identifiers: ClinVar variation 3345585 (VCV003345585.1).